The following is an entry in ClinVar:

ClinVar aggregate classification (germline): Uncertain significance. Review status: criteria provided, multiple submitters, no conflicts (2 of 4 stars). 2 submissions from 2 submitters: Uncertain significance (2). Last evaluated 2024-08-20.

Conditions:
Inborn genetic diseases. Identifiers: MedGen C0950123, MeSH D030342.

Allele frequency attached by ClinVar (database versions not stated): gnomAD exomes below 0.00001.
gnomAD v4.1: 2 of 1,612,302 alleles (0.00012%); highest among the groups gnomAD compares: Non-Finnish European, 0.00017%; no homozygotes.

Submissions (2):

Labcorp Genetics (formerly Invitae), Labcorp
Classification: Uncertain significance. Last evaluated: 2024-08-20. Review status: criteria provided, single submitter. Criteria: Invitae Variant Classification Sherloc (09022015). Collection method: clinical testing. Allele origin: germline.
Comment: This sequence change replaces aspartic acid, which is acidic and polar, with glutamic acid, which is acidic and polar, at codon 887 of the ADAMTS10 protein (p.Asp887Glu). This variant is not present in population databases (gnomAD no frequency). This variant has not been reported in the literature in individuals affected with ADAMTS10-related conditions. ClinVar contains an entry for this variant (Variation ID: 2260585). An algorithm developed to predict the effect of missense changes on protein structure and function outputs the following: PolyPhen-2: "Benign". The glutamic acid amino acid residue is found in multiple mammalian species, which suggests that this missense change does not adversely affect protein function. In summary, the available evidence is currently insufficient to determine the role of this variant in disease. Therefore, it has been classified as a Variant of Uncertain Significance.

Ambry Genetics
Classification: Uncertain significance for Inborn genetic diseases. Last evaluated: 2021-11-12. Review status: criteria provided, single submitter. Criteria: Ambry Variant Classification Scheme 2023. Collection method: clinical testing. Allele origin: germline.

NM_030957.4(ADAMTS10):c.2661C>A (p.Asp887Glu)

Gene: ADAMTS10 (ADAM metallopeptidase with thrombospondin type 1 motif 10; minus strand). Cytogenetic location: 19p13.2.
Variant type: single nucleotide variant.
Coding change: c.2661C>A on transcript NM_030957.4 (MANE Select); coding-DNA position 2661, C replaced by A.
Protein change: p.Asp887Glu; replaces aspartic acid 887 with glutamic acid.
Molecular consequence: missense variant.
Genome position (GRCh38, 1-based): chr19:8,585,660, G>T on the plus strand (C>A on the coding strand, the complement: ADAMTS10 is on the minus strand). VCF-style: chr19-8585660-G-T. GRCh37 (hg19) VCF-style: chr19-8650544-G-T.
Other names: c.1122C>A, p.Asp374Glu (NM_001282352.2); short protein forms D887E, D374E.
Identifiers: ClinVar variation 2260585 (VCV002260585.3), dbSNP rs2146040332, ClinGen allele CA403749270.